The following is an entry in ClinVar:

ClinVar aggregate classification (germline): Pathogenic/Likely pathogenic. Review status: criteria provided, multiple submitters, no conflicts (2 of 4 stars). 4 submissions from 4 submitters: Pathogenic (3); Likely pathogenic (1). Last evaluated 2025-12-22.

Conditions:
Autosomal recessive polycystic kidney disease (ARPKD). Also called: AR polycystic kidney disease. Identifiers: Orphanet 731, Orphanet 8378, MedGen C0085548, MeSH D017044, MONDO:0009889.
Polycystic kidney disease 4 (PKD4). Also called: POLYCYSTIC KIDNEY AND HEPATIC DISEASE 1; POLYCYSTIC KIDNEY DISEASE, INFANTILE, TYPE I; POLYCYSTIC KIDNEY DISEASE 4 WITH OR WITHOUT POLYCYSTIC LIVER DISEASE; PKD3; Autosomal Recessive Polycystic Kidney Disease – PKHD1. Identifiers: MedGen C4540575, MONDO:0033004, OMIM 263200.

Allele frequency attached by ClinVar (database versions not stated): gnomAD exomes below 0.00001.
gnomAD v4.1: 2 of 1,614,174 alleles (0.00012%); highest among the groups gnomAD compares: Non-Finnish European, 0.00017%; no homozygotes.

Submissions (4):

Natera, Inc.
Classification: Likely pathogenic for Autosomal recessive polycystic kidney disease. Last evaluated: 2025-12-22. Review status: criteria provided, single submitter. Criteria: Natera Variant Classification Schema (03/2026). Collection method: clinical testing. Allele origin: germline.
Comment: The c.1992G>A variant in PKHD1 is a nonsense variant predicted to introduce a stop codon at amino acid 664. This variant is expected to result in nonsense mediated decay, truncation, or a dysfunctional protein product. This variant is rare in the general population with a frequency below the threshold expected for the associated phenotype(s). Given the available evidence, this variant is classified as Likely Pathogenic.

Victorian Clinical Genetics Services, Murdoch Childrens Research Institute
Classification: Pathogenic for Polycystic kidney disease 4. Last evaluated: 2025-08-13. Review status: criteria provided, single submitter. Criteria: ACMG Guidelines, 2015. Collection method: clinical testing. Allele origin: germline. Affected: yes.
Comment: This variant is classified as Pathogenic. Evidence in support of pathogenic classification: Variant is predicted to cause nonsense-mediated decay (NMD) and loss of protein (premature termination codon is located at least 54 nucleotides upstream of the final exon-exon junction); Variant is present in gnomAD <0.01 for a recessive condition (v4: 2 heterozygote(s), 0 homozygote(s)); This variant has limited previous evidence of pathogenicity in unrelated individual(s). This variant has been classified as pathogenic by clinical laboratories in ClinVar; Other NMD-predicted variant(s) comparable to the one identified in this case have very strong previous evidence for pathogenicity (ClinVar). Additional information: This variant is heterozygous; This gene is associated with autosomal recessive disease; however, there are emerging reports of heterozygous carriers of PKHD1 variants developing liver cysts and nephrocalcinosis (PMID: 21945273, 36691356); No published evidence of segregation with disease has been identified for this variant; No published functional evidence has been identified for this variant; Loss of function is a known mechanism of disease in this gene and is associated with polycystic kidney disease 4, with or without hepatic disease (MIM#263200); Variants in this gene are known to have variable expressivity. Significant intrafamilial variability has been reported (PMID: 20301501); Inheritance information for this variant is not currently available in this individual.

Fulgent Genetics
Classification: Pathogenic for Polycystic kidney disease 4. Last evaluated: 2024-02-10. Review status: criteria provided, single submitter. Criteria: ACMG Guidelines, 2015. Collection method: clinical testing. Allele origin: germline.

Labcorp Genetics (formerly Invitae), Labcorp
Classification: Pathogenic for Autosomal recessive polycystic kidney disease. Last evaluated: 2022-12-04. Review status: criteria provided, single submitter. Criteria: Invitae Variant Classification Sherloc (09022015). Collection method: clinical testing. Allele origin: germline.
Comment: This sequence change creates a premature translational stop signal (p.Trp664*) in the PKHD1 gene. It is expected to result in an absent or disrupted protein product. Loss-of-function variants in PKHD1 are known to be pathogenic (PMID: 19940839). This variant is not present in population databases (gnomAD no frequency). This variant has not been reported in the literature in individuals affected with PKHD1-related conditions. ClinVar contains an entry for this variant (Variation ID: 1076511). For these reasons, this variant has been classified as Pathogenic.

Literature cited by the submitters: PubMed 20301501 (cited by Victorian Clinical Genetics Services, Murdoch Childrens Research Institute); PubMed 36691356 (cited by Victorian Clinical Genetics Services, Murdoch Childrens Research Institute); PubMed 21945273 (cited by Victorian Clinical Genetics Services, Murdoch Childrens Research Institute); PubMed 19940839 (cited by Labcorp Genetics (formerly Invitae), Labcorp).

NM_138694.4(PKHD1):c.1992G>A (p.Trp664Ter)

Gene: PKHD1 (PKHD1 ciliary IPT domain containing fibrocystin/polyductin; minus strand). Cytogenetic location: 6p12.2.
Variant type: single nucleotide variant.
Coding change: c.1992G>A on transcript NM_138694.4 (MANE Select); coding-DNA position 1992, G replaced by A.
Protein change: p.Trp664Ter; replaces tryptophan 664 with a stop codon.
Molecular consequence: nonsense.
Genome position (GRCh38, 1-based): chr6:52,053,224, C>T on the plus strand (G>A on the coding strand, the complement: PKHD1 is on the minus strand). VCF-style: chr6-52053224-C-T. GRCh37 (hg19) VCF-style: chr6-51918022-C-T.
Other names: c.1992G>A, p.Trp664Ter (NM_170724.3); c.1992G>A (NM_138694.3); short protein forms W664*.
Identifiers: ClinVar variation 1076511 (VCV001076511.16), dbSNP rs2128203862, ClinGen allele CA364444498.
Genomic context (GRCh38, chr6:52,053,224, plus strand): 5'-CAGCACTGGGGAGTTTGCCGGAGGGGGCTGGAGATCCCCGAAGCAACGCACACAAGTCTC[C>T]CAGAGGTCAGTGCAATCGAACTGCCAGCTGAAAAACAGCATGGAGCAGAACTGGGCTCTC-3'